The following is an entry in ClinVar:

NM_144736.5(NDUFAF7):c.1268G>A (p.Arg423His)

Gene: NDUFAF7 (NADH:ubiquinone oxidoreductase complex assembly factor 7; plus strand). Cytogenetic location: 2p22.2.
Variant type: single nucleotide variant.
Coding change: c.1268G>A on transcript NM_144736.5 (MANE Select); coding-DNA position 1268, G replaced by A.
Protein change: p.Arg423His; replaces arginine 423 with histidine.
Molecular consequence: missense variant. On other transcripts: non-coding transcript variant (10).
Genome position (GRCh38, 1-based): chr2:37,248,292, G>A. VCF-style: chr2-37248292-G-A. GRCh37 (hg19) VCF-style: chr2-37475435-G-A.
Other names: c.974G>A, p.Arg325His (NM_001083946.2); c.1145G>A, p.Arg382His (NM_001350024.2); c.1064G>A, p.Arg355His (NM_001350025.2); c.1055G>A, p.Arg352His (NM_001350027.2); c.974G>A (NM_001083946.1); short protein forms R325H, R352H, R355H, R382H, R423H.
Identifiers: ClinVar variation 1050110 (VCV001050110.10), dbSNP rs141619444, ClinGen allele CA1617453.

ClinVar aggregate classification (germline): Uncertain significance. Review status: criteria provided, multiple submitters, no conflicts (2 of 4 stars). 3 submissions from 3 submitters: Uncertain significance (2). 1 of the submissions does not count toward it. Last evaluated 2025-12-20.

Allele frequency attached by ClinVar (database versions not stated): gnomAD 0.00003; gnomAD exomes 0.00003 and 0.00005; TOPMed 0.00003; ExAC 0.00005; ESP Exome Variant Server 0.00008.
gnomAD v4.1: 43 of 1,614,010 alleles (0.0027%); highest among the groups gnomAD compares: South Asian, 0.022%; no homozygotes.

Submissions (3):

Labcorp Genetics (formerly Invitae), Labcorp
Classification: Uncertain significance. Last evaluated: 2025-12-20. Review status: criteria provided, single submitter. Criteria: Invitae Variant Classification Sherloc (09022015). Collection method: clinical testing. Allele origin: germline.
Comment: This sequence change replaces arginine, which is basic and polar, with histidine, which is basic and polar, at codon 325 of the NDUFAF7 protein (p.Arg325His). This variant is present in population databases (rs141619444, gnomAD 0.01%). This variant has not been reported in the literature in individuals affected with NDUFAF7-related conditions. ClinVar contains an entry for this variant (Variation ID: 1050110). An algorithm developed to predict the effect of missense changes on protein structure and function (PolyPhen-2) suggests that this variant is likely to be tolerated. In summary, the available evidence is currently insufficient to determine the role of this variant in disease. Therefore, it has been classified as a Variant of Uncertain Significance.

Ambry Genetics
Classification: Uncertain significance. Last evaluated: 2024-03-20. Review status: criteria provided, single submitter. Criteria: Ambry Variant Classification Scheme 2023. Collection method: clinical testing. Allele origin: germline.

Department of Pathology and Laboratory Medicine, Sinai Health System
Classification: Uncertain significance. Review status: no assertion criteria provided. Collection method: clinical testing. Allele origin: unknown. Affected: yes. Study: The Canadian Open Genetics Repository (COGR). Not counted in ClinVar's aggregate classification.
Comment: The NDUFAF7 p.Arg325His variant was not identified in the literature nor was it identified in ClinVar, Cosmic or LOVD3.0. The variant was identified in dbSNP (ID: rs141619444) and was also found in control databases in 13 of 282842 chromosomes at a frequency of 0.000046 (Genome Aggregation Database Feb 27, 2017). The variant was observed in the following populations: Other in 1 of 7224 chromosomes (freq: 0.000138), South Asian in 4 of 30616 chromosomes (freq: 0.000131), European (non-Finnish) in 7 of 129164 chromosomes (freq: 0.000054) and African in 1 of 24966 chromosomes (freq: 0.00004), while the variant was not observed in the Latino, Ashkenazi Jewish, East Asian and European (Finnish) populations. The variant occurs outside of the splicing consensus sequence and 3 of 4 in silico or computational prediction software programs (SpliceSiteFinder, MaxEntScan, NNSPLICE) predict a greater than 10% difference in splicing. SpliceSiteFinder-like predicts the loss of two 5' splice sites at c.969 and c.973. MaxEntScan and NNSPLICE also predict the loss of 5' splice site c.973. However, this information is not predictive enough to assume pathogenicity. The p.Arg325 residue is not conserved in mammals and four out of five computational analyses (SIFT, AlignGVGD, BLOSUM, MutationTaster) do not suggest a high likelihood of impact to the protein; however, this information is not predictive enough to rule out pathogenicity. In summary, based on the above information the clinical significance of this variant cannot be determined with certainty at this time. This variant is classified as a variant of uncertain significance.